The following is an entry in ClinVar:

ClinVar aggregate classification (germline): Uncertain significance. Review status: criteria provided, multiple submitters, no conflicts (2 of 4 stars). 3 submissions from 3 submitters: Uncertain significance (3). Last evaluated 2024-05-16.

Conditions:
Familial infantile myasthenia (CMS6). Also called: MYASTHENIC SYNDROME, CONGENITAL, 6, PRESYNAPTIC; MYASTHENIC SYNDROME, PRESYNAPTIC, CONGENITAL, ASSOCIATED WITH EPISODIC APNEA; Congenital myasthenic syndrome type 6. Identifiers: Orphanet 590, MedGen C0393929, MONDO:0009689, OMIM 254210.

Allele frequency attached by ClinVar (database versions not stated): TOPMed below 0.00001; ExAC 0.00001; gnomAD 0.00001; gnomAD exomes 0.00001.
gnomAD v4.1: 45 of 1,613,996 alleles (0.0028%); highest among the groups gnomAD compares: Non-Finnish European, 0.0035%; 1 homozygote.

Submissions (3):

Women's Health and Genetics/Laboratory Corporation of America, LabCorp
Classification: Uncertain significance. Last evaluated: 2024-05-16. Review status: criteria provided, single submitter. Criteria: LabCorp Variant Classification Summary - May 2015. Collection method: clinical testing. Allele origin: germline.
Comment: Variant summary: CHAT c.1823C>A (p.Thr608Asn) results in a non-conservative amino acid change located in the Choline/carnitine acyltransferase domain (IPR039551) of the encoded protein sequence. Four of five in-silico tools predict a damaging effect of the variant on protein function. The variant allele was found at a frequency of 8e-06 in 251398 control chromosomes. c.1823C>A has been reported in the literature in at least one compound heterozygous individual with clinical features of Congenital Myasthenic Syndrome (e.g. Shen_2011). This report do not provide sufficient evidence alone to allow unequivocal conclusions about association of the variant with Congenital Myasthenic Syndrome. At least one publication reports experimental evidence evaluating an impact on protein function. The most pronounced variant effect results in ~40% of WT catalytic activity in vitro (e.g. Shen_2011). The following publication has been ascertained in the context of this evaluation (PMID: 21786365). ClinVar contains an entry for this variant (Variation ID: 194259). Based on the evidence outlined above, the variant was classified as VUS-possibly pathogenic.

Labcorp Genetics (formerly Invitae), Labcorp
Classification: Uncertain significance for Familial infantile myasthenia. Last evaluated: 2022-08-18. Review status: criteria provided, single submitter. Criteria: Invitae Variant Classification Sherloc (09022015). Collection method: clinical testing. Allele origin: germline.
Comment: This sequence change replaces threonine, which is neutral and polar, with asparagine, which is neutral and polar, at codon 608 of the CHAT protein (p.Thr608Asn). This variant is present in population databases (rs773228076, gnomAD 0.003%). This missense change has been observed in individual(s) with congenital myasthenic syndrome (PMID: 21786365). ClinVar contains an entry for this variant (Variation ID: 194259). Advanced modeling of protein sequence and biophysical properties (such as structural, functional, and spatial information, amino acid conservation, physicochemical variation, residue mobility, and thermodynamic stability) performed at Invitae indicates that this missense variant is not expected to disrupt CHAT protein function. Experimental studies have shown that this missense change affects CHAT function (PMID: 21786365). In summary, the available evidence is currently insufficient to determine the role of this variant in disease. Therefore, it has been classified as a Variant of Uncertain Significance.

Eurofins Ntd Llc (ga)
Classification: Uncertain significance. Last evaluated: 2015-06-04. Review status: criteria provided, single submitter. Criteria: EGL Classification Definitions 2015. Collection method: clinical testing. Allele origin: germline. Observed: 1 variant allele, 1 heterozygote.

Literature cited by the submitters: PubMed 21786365 (cited by Women's Health and Genetics/Laboratory Corporation of America, LabCorp and Labcorp Genetics (formerly Invitae), Labcorp).

NM_020549.5(CHAT):c.1823C>A (p.Thr608Asn)

Gene: CHAT (choline O-acetyltransferase; plus strand). Cytogenetic location: 10q11.23.
Variant type: single nucleotide variant.
Coding change: c.1823C>A on transcript NM_020549.5 (MANE Select); coding-DNA position 1823, C replaced by A.
Protein change: p.Thr608Asn; replaces threonine 608 with asparagine.
Molecular consequence: missense variant.
Genome position (GRCh38, 1-based): chr10:49,655,432, C>A. VCF-style: chr10-49655432-C-A. GRCh37 (hg19) VCF-style: chr10-50863478-C-A.
Other names: c.1469C>A, p.Thr490Asn (NM_001142929.2, NM_001142934.2, NM_020984.4 and 2 more transcripts); c.1577C>A, p.Thr526Asn (NM_001142933.2); short protein forms T490N, T608N, T526N.
Identifiers: ClinVar variation 194259 (VCV000194259.11), dbSNP rs773228076, ClinGen allele CA240138.